The following is an entry in ClinVar:

NM_000132.4(F8):c.3933A>G (p.Ala1311=)

Gene: F8 (coagulation factor VIII; minus strand). Cytogenetic location: Xq28.
Variant type: single nucleotide variant.
Coding change: c.3933A>G on transcript NM_000132.4 (MANE Select); coding-DNA position 3933, A replaced by G.
Protein change: p.Ala1311=; no amino-acid change (alanine 1311 retained).
Molecular consequence: synonymous variant.
Genome position (GRCh38, 1-based): chrX:154,929,857, T>C on the plus strand (A>G on the coding strand, the complement: F8 is on the minus strand). VCF-style: chrX-154929857-T-C. GRCh37 (hg19) VCF-style: chrX-154158132-T-C.
Other names: c.3933A>G (NM_000132.3).
Identifiers: ClinVar variation 3902276 (VCV003902276.4).

ClinVar aggregate classification (germline): Likely benign. Review status: criteria provided, multiple submitters, no conflicts (2 of 4 stars). 4 submissions from 4 submitters: Likely benign (4). Last evaluated 2026-07-06.

Conditions:
F8-related disorder. Also called: F8-related condition.

gnomAD v4.1: 270 of 1,210,085 alleles (0.022%); highest among the groups gnomAD compares: Non-Finnish European, 0.023%; no homozygotes.

Submissions (4):

PreventionGenetics, part of Exact Sciences
Classification: Likely benign for F8-related condition. Last evaluated: 2026-07-06. Review status: criteria provided, single submitter. Criteria: ACMG Guidelines, 2015. Collection method: clinical testing. Allele origin: germline.
Comment: This variant is classified as likely benign based on ACMG/AMP sequence variant interpretation guidelines (Richards et al. 2015 PMID: 25741868, with internal and published modifications).

Women's Health and Genetics/Laboratory Corporation of America, LabCorp
Classification: Likely benign. Last evaluated: 2025-05-13. Review status: criteria provided, single submitter. Criteria: LabCorp Variant Classification Summary - May 2015. Collection method: clinical testing. Allele origin: germline.

ARUP Laboratories, Molecular Genetics and Genomics, ARUP Laboratories
Classification: Likely benign. Last evaluated: 2025-04-14. Review status: criteria provided, single submitter. Criteria: ARUP Molecular Germline Variant Investigation Process 2024. Collection method: clinical testing. Allele origin: germline.

Blueprint Genetics
Classification: Likely benign. Last evaluated: 2024-11-08. Review status: criteria provided, single submitter. Criteria: ACMG Guidelines, 2015. Collection method: clinical testing. Allele origin: germline.